The following is an entry in ClinVar:

NM_153033.5(KCTD7):c.77A>G (p.Asp26Gly)

Genes: KCTD7 (potassium channel tetramerization domain containing 7; plus strand), LOC129998533 (ATAC-STARR-seq lymphoblastoid silent region 18210; plus strand). Cytogenetic location: 7q11.21.
Variant type: single nucleotide variant.
Coding change: c.77A>G on transcript NM_153033.5 (MANE Select); coding-DNA position 77, A replaced by G.
Protein change: p.Asp26Gly; replaces aspartic acid 26 with glycine.
Molecular consequence: missense variant.
Genome position (GRCh38, 1-based): chr7:66,629,141, A>G. VCF-style: chr7-66629141-A-G. GRCh37 (hg19) VCF-style: chr7-66094128-A-G.
Other names: c.77A>G, p.Asp26Gly (NM_001167961.2); short protein forms D26G.
Identifiers: ClinVar variation 2010977 (VCV002010977.4), dbSNP rs2535233084, ClinGen allele CA367695285.

ClinVar aggregate classification (germline): Uncertain significance (1 of 4 stars; one submission).

Conditions:
Progressive myoclonic epilepsy type 3. Also called: EPILEPSY, PROGRESSIVE MYOCLONIC, 3, WITHOUT INTRACELLULAR INCLUSIONS; EPILEPSY, PROGRESSIVE MYOCLONIC, 3, WITH OR WITHOUT INTRACELLULAR INCLUSIONS; CEROID LIPOFUSCINOSIS, NEURONAL, 14; KCTD7-Related Progressive Myoclonic Epilepsy. Identifiers: Orphanet 263516, MedGen C2673257, MONDO:0012721, OMIM 611726.

Submission:

Labcorp Genetics (formerly Invitae), Labcorp
Classification: Uncertain significance for Progressive myoclonic epilepsy type 3. Last evaluated: 2022-06-26. Review status: criteria provided, single submitter. Criteria: Invitae Variant Classification Sherloc (09022015). Collection method: clinical testing. Allele origin: germline.
Comment: This sequence change replaces aspartic acid, which is acidic and polar, with glycine, which is neutral and non-polar, at codon 26 of the KCTD7 protein (p.Asp26Gly). This variant is not present in population databases (gnomAD no frequency). In summary, the available evidence is currently insufficient to determine the role of this variant in disease. Therefore, it has been classified as a Variant of Uncertain Significance. Algorithms developed to predict the effect of missense changes on protein structure and function are either unavailable or do not agree on the potential impact of this missense change (SIFT: "Deleterious"; PolyPhen-2: "Benign"; Align-GVGD: "Class C0"). This variant has not been reported in the literature in individuals affected with KCTD7-related conditions.